The following is an entry in ClinVar:

NM_001111.5(ADAR):c.599C>G (p.Ser200Cys)

Gene: ADAR (adenosine deaminase RNA specific; minus strand). Cytogenetic location: 1q21.3.
Variant type: single nucleotide variant.
Coding change: c.599C>G on transcript NM_001111.5 (MANE Select); coding-DNA position 599, C replaced by G.
Protein change: p.Ser200Cys; replaces serine 200 with cysteine.
Molecular consequence: missense variant. On other transcripts: 5 prime UTR variant (6).
Genome position (GRCh38, 1-based): chr1:154,602,043, G>C on the plus strand (C>G on the coding strand, the complement: ADAR is on the minus strand). VCF-style: chr1-154602043-G-C. GRCh37 (hg19) VCF-style: chr1-154574519-G-C.
Other names: c.-287C>G (NM_001025107.3, NM_001193495.2, NM_001365046.1 and 3 more transcripts); c.626C>G, p.Ser209Cys (NM_001365045.1); c.599C>G, p.Ser200Cys (NM_015840.4, NM_015841.4); short protein forms S200C, S209C.
Identifiers: ClinVar variation 2116225 (VCV002116225.4), dbSNP rs2526662850, ClinGen allele CA342600934.

ClinVar aggregate classification (germline): Uncertain significance (1 of 4 stars; one submission).

Conditions:
Symmetrical dyschromatosis of extremities (DSH). Also called: RETICULATE ACROPIGMENTATION OF DOHI; SYMMETRIC DYSCHROMATOSIS OF THE EXTREMITIES; Dyschromatosis symmetrica hereditaria; DYSCHROMATOSIS SYMMETRICA HEREDITARIA 1. Identifiers: Orphanet 41, MedGen C0406775, MONDO:0007483, OMIM 127400.
Aicardi-Goutieres syndrome 6 (AGS6). Identifiers: Orphanet 51, MedGen C3539013, MONDO:0014007, OMIM 615010.

Submission:

Labcorp Genetics (formerly Invitae), Labcorp
Classification: Uncertain significance for Aicardi-Goutieres syndrome 6; Symmetrical dyschromatosis of extremities. Last evaluated: 2022-03-23. Review status: criteria provided, single submitter. Criteria: Invitae Variant Classification Sherloc (09022015). Collection method: clinical testing. Allele origin: germline.
Comment: This variant has not been reported in the literature in individuals affected with ADAR-related conditions. This variant is not present in population databases (gnomAD no frequency). This sequence change replaces serine, which is neutral and polar, with cysteine, which is neutral and slightly polar, at codon 200 of the ADAR protein (p.Ser200Cys). Algorithms developed to predict the effect of missense changes on protein structure and function are either unavailable or do not agree on the potential impact of this missense change (SIFT: "Tolerated"; PolyPhen-2: "Possibly Damaging"; Align-GVGD: "Class C0"). In summary, the available evidence is currently insufficient to determine the role of this variant in disease. Therefore, it has been classified as a Variant of Uncertain Significance.